The following is an entry in ClinVar:

ClinVar aggregate classification (germline): Benign. Review status: criteria provided, single submitter (1 of 4 stars). 2 submissions from 1 submitter: Benign (2). Last evaluated 2018-01-13.

Conditions:
Susceptibility to mononeuropathy of the median nerve, mild. Also called: CARPAL TUNNEL SYNDROME, SUSCEPTIBILITY TO. Identifiers: MedGen C3150596, MONDO:0013237, OMIM 613353.
Charcot-Marie-Tooth disease type 4C (CMT4C). Also called: CMT 4C; Charcot-Marie-Tooth Neuropathy Type 4C (CMT4C); CHARCOT-MARIE-TOOTH DISEASE, DEMYELINATING, TYPE 4C; CHARCOT-MARIE-TOOTH DISEASE, DEMYELINATING, AUTOSOMAL RECESSIVE, TYPE 4C; SH3TC2-Related Hereditary Motor and Sensory Neuropathy. Identifiers: Orphanet 99949, MedGen C1866636, MONDO:0011113, OMIM 601596.

Allele frequency attached by ClinVar (database versions not stated): gnomAD 0.00073 and 0.00104; TOPMed 0.00124; 1000 Genomes Project 30x 0.00547; 1000 Genomes Project 0.00559.
gnomAD v4.1: 157 of 152,254 alleles (0.1%); highest among the groups gnomAD compares: East Asian, 2.8%; 6 homozygotes.

Submissions (2):

Illumina Laboratory Services, Illumina
Classification: Benign for Charcot-Marie-Tooth disease type 4C. Last evaluated: 2018-01-13. Review status: criteria provided, single submitter. Criteria: ICSL Variant Classification Criteria 13 December 2019. Collection method: clinical testing. Allele origin: germline.
Comment: This variant was observed in the ICSL laboratory as part of a predisposition screen in an ostensibly healthy population. It had not been previously curated by ICSL or reported in the Human Gene Mutation Database (HGMD: prior to June 1st, 2018), and was therefore a candidate for classification through an automated scoring system. Utilizing variant allele frequency, disease prevalence and penetrance estimates, and inheritance mode, an automated score was calculated to assess if this variant is too frequent to cause the disease. Based on the score and internal cut-off values, a variant classified as benign is not then subjected to further curation. The score for this variant resulted in a classification of benign for this disease.

Illumina Laboratory Services, Illumina
Classification: Benign for Susceptibility to mononeuropathy of the median nerve, mild. Last evaluated: 2018-01-13. Review status: criteria provided, single submitter. Criteria: ICSL Variant Classification Criteria 13 December 2019. Collection method: clinical testing. Allele origin: germline.
Comment: the same text as in the submission from Illumina Laboratory Services, Illumina above.

NM_024577.4(SH3TC2):c.*9504G>A

Gene: SH3TC2 (SH3 domain and tetratricopeptide repeats 2; minus strand). Cytogenetic location: 5q32.
Variant type: single nucleotide variant.
Coding change: c.*9504G>A on transcript NM_024577.4 (MANE Select); 9504 bases downstream of the stop codon, G replaced by A.
Molecular consequence: 3 prime UTR variant.
Genome position (GRCh38, 1-based): chr5:148,995,207, C>T on the plus strand (G>A on the coding strand, the complement: SH3TC2 is on the minus strand). VCF-style: chr5-148995207-C-T. GRCh37 (hg19) VCF-style: chr5-148374770-C-T.
Identifiers: ClinVar variation 904227 (VCV000904227.4), dbSNP rs17722113, ClinGen allele CA128989306.
Genomic context (GRCh38, chr5:148,995,207, plus strand): 5'-CATTCAAATGTTCAAAAGAGAAATATTTATCTTGAAGATCCTAAGTTCTGAAAGAGAAAA[C>T]GTGTATCAGAATTACATAATTATATAAAGCACTGATTTTCCAGGTCAGACAAAAGTGATT-3'